The following is an entry in ClinVar:

NM_013339.4(ALG6):c.619G>A (p.Ala207Thr)

Gene: ALG6 (ALG6 alpha-1,3-glucosyltransferase; plus strand). Cytogenetic location: 1p31.3.
Variant type: single nucleotide variant.
Coding change: c.619G>A on transcript NM_013339.4 (MANE Select); coding-DNA position 619, G replaced by A.
Protein change: p.Ala207Thr; replaces alanine 207 with threonine.
Molecular consequence: missense variant.
Genome position (GRCh38, 1-based): chr1:63,411,270, G>A. VCF-style: chr1-63411270-G-A. GRCh37 (hg19) VCF-style: chr1-63876941-G-A.
Other names: short protein forms A207T.
Identifiers: ClinVar variation 2202585 (VCV002202585.1), dbSNP rs756038267, ClinGen allele CA888209.

ClinVar aggregate classification (germline): Uncertain significance (1 of 4 stars; one submission).

Conditions:
ALG6-congenital disorder of glycosylation 1C (CDG1C). Also called: CARBOHYDRATE-DEFICIENT GLYCOPROTEIN SYNDROME, TYPE I, WITH DEFICIENT GLYCOSYLATION OF DOLICHOL-LINKED OLIGOSACCHARIDE; CARBOHYDRATE-DEFICIENT GLYCOPROTEIN SYNDROME, TYPE V; Congenital disorder of glycosylation type 1C; Congenital disorder of glycosylation, type Ic; CDG Ic. Identifiers: Orphanet 79320, MedGen C2930997, MONDO:0011291, OMIM 603147.

Allele frequency attached by ClinVar (database versions not stated): gnomAD exomes below 0.00001; ExAC 0.00001; gnomAD 0.00001.
gnomAD v4.1: 7 of 1,613,746 alleles (0.00043%); highest among the groups gnomAD compares: African/African-American, 0.0027%; no homozygotes.

Submission:

Labcorp Genetics (formerly Invitae), Labcorp
Classification: Uncertain significance for ALG6-congenital disorder of glycosylation 1C. Last evaluated: 2022-06-08. Review status: criteria provided, single submitter. Criteria: Invitae Variant Classification Sherloc (09022015). Collection method: clinical testing. Allele origin: germline.
Comment: This sequence change replaces alanine, which is neutral and non-polar, with threonine, which is neutral and polar, at codon 207 of the ALG6 protein (p.Ala207Thr). This variant is present in population databases (rs756038267, gnomAD 0.003%). This variant has not been reported in the literature in individuals affected with ALG6-related conditions. Algorithms developed to predict the effect of missense changes on protein structure and function are either unavailable or do not agree on the potential impact of this missense change (SIFT: "Deleterious"; PolyPhen-2: "Possibly Damaging"; Align-GVGD: "Class C0"). In summary, the available evidence is currently insufficient to determine the role of this variant in disease. Therefore, it has been classified as a Variant of Uncertain Significance.